The following is an entry in ClinVar:

NM_000090.4(COL3A1):c.3796A>G (p.Lys1266Glu)

Gene: COL3A1 (collagen type III alpha 1 chain; plus strand). Cytogenetic location: 2q32.2.
Variant type: single nucleotide variant.
Coding change: c.3796A>G on transcript NM_000090.4 (MANE Select); coding-DNA position 3796, A replaced by G.
Protein change: p.Lys1266Glu; replaces lysine 1266 with glutamic acid.
Molecular consequence: missense variant.
Genome position (GRCh38, 1-based): chr2:189,009,194, A>G. VCF-style: chr2-189009194-A-G. GRCh37 (hg19) VCF-style: chr2-189873920-A-G.
Other names: short protein forms K1266E.
Identifiers: ClinVar variation 3072491 (VCV003072491.2), dbSNP rs946156674, ClinGen allele CA349847752.

ClinVar aggregate classification (germline): Uncertain significance. Review status: criteria provided, multiple submitters, no conflicts (2 of 4 stars). 2 submissions from 2 submitters: Uncertain significance (2). Last evaluated 2025-10-06.

Conditions:
Ehlers-Danlos syndrome, type 4 (EDSVASC). Also called: Ehlers-Danlos Syndrome Type IV; Ehlers-Danlos syndrome vascular type; Ehlers Danlos syndrome, ecchymotic type; Ehlers Danlos syndrome, arterial type; Ehlers Danlos syndrome, Sack-Barabas type. Identifiers: Orphanet 286, MedGen C0268338, MONDO:0017314, OMIM 130050.

Submissions (2):

Labcorp Genetics (formerly Invitae), Labcorp
Classification: Uncertain significance for Ehlers-Danlos syndrome, type 4. Last evaluated: 2025-10-06. Review status: criteria provided, single submitter. Criteria: Invitae Variant Classification Sherloc (09022015). Collection method: clinical testing. Allele origin: germline.
Comment: This sequence change replaces lysine, which is basic and polar, with glutamic acid, which is acidic and polar, at codon 1266 of the COL3A1 protein (p.Lys1266Glu). This variant is not present in population databases (gnomAD no frequency). This variant has not been reported in the literature in individuals affected with COL3A1-related conditions. ClinVar contains an entry for this variant (Variation ID: 3072491). Invitae Evidence Modeling of protein sequence and biophysical properties (such as structural, functional, and spatial information, amino acid conservation, physicochemical variation, residue mobility, and thermodynamic stability) indicates that this missense variant is not expected to disrupt COL3A1 protein function with a negative predictive value of 95%. In summary, the available evidence is currently insufficient to determine the role of this variant in disease. Therefore, it has been classified as a Variant of Uncertain Significance.

All of Us Research Program, National Institutes of Health
Classification: Uncertain significance for Ehlers-Danlos syndrome, type 4. Last evaluated: 2023-08-08. Review status: criteria provided, single submitter. Criteria: ACMG Guidelines, 2015. Collection method: clinical testing. Allele origin: germline. Inheritance: Autosomal dominant inheritance. Observed: 2 variant alleles, 2 heterozygotes.
Comment: This missense variant replaces lysine with glutamic acid at codon 1266 of the COL3A1 protein. Computational prediction is inconclusive regarding the impact of this variant on protein structure and function (internally defined REVEL score threshold 0.5 < inconclusive < 0.7, PMID: 27666373). To our knowledge, functional studies have not been reported for this variant. This variant has not been reported in individuals affected with COL3A1-related disorders in the literature. This variant has not been identified in the general population by the Genome Aggregation Database (gnomAD). The available evidence is insufficient to determine the role of this variant in disease conclusively. Therefore, this variant is classified as a Variant of Uncertain Significance.

This study involves interpretation of variants in research participants for the purpose of population health screening. Participant phenotype was not available at the time of variant classification. Additional details can be found in publication PMID: 35346344, PMCID: PMC8962531